The following is an entry in ClinVar:

ClinVar aggregate classification (germline): Uncertain significance (1 of 4 stars; one submission).

Allele frequency attached by ClinVar (database versions not stated): gnomAD exomes 0.00001; ExAC 0.00002; TOPMed 0.00004; gnomAD 0.00005; ESP Exome Variant Server 0.00015.
gnomAD v4.1: 17 of 1,613,540 alleles (0.0011%); highest among the groups gnomAD compares: African/African-American, 0.013%; no homozygotes.

Submission:

Labcorp Genetics (formerly Invitae), Labcorp
Classification: Uncertain significance. Last evaluated: 2025-03-17. Review status: criteria provided, single submitter. Criteria: Invitae Variant Classification Sherloc (09022015). Collection method: clinical testing. Allele origin: germline.
Comment: This sequence change replaces histidine, which is basic and polar, with arginine, which is basic and polar, at codon 3221 of the VCAN protein (p.His3221Arg). This variant is present in population databases (rs145549943, gnomAD 0.03%). This variant has not been reported in the literature in individuals affected with VCAN-related conditions. ClinVar contains an entry for this variant (Variation ID: 1463252). An algorithm developed to predict the effect of missense changes on protein structure and function (PolyPhen-2) suggests that this variant is likely to be tolerated. In summary, the available evidence is currently insufficient to determine the role of this variant in disease. Therefore, it has been classified as a Variant of Uncertain Significance.

NM_004385.5(VCAN):c.9662A>G (p.His3221Arg)

Genes: VCAN-AS1 (VCAN antisense RNA 1; minus strand), VCAN (versican; plus strand), LOC126807443 (BRD4-independent group 4 enhancer GRCh37_chr5:82849966-82851165; plus strand). Cytogenetic location: 5q14.3.
Variant type: single nucleotide variant.
Coding change: c.9662A>G on transcript NM_004385.5 (MANE Select); coding-DNA position 9662, A replaced by G.
Protein change: p.His3221Arg; replaces histidine 3221 with arginine.
Molecular consequence: missense variant.
Genome position (GRCh38, 1-based): chr5:83,554,965, A>G. VCF-style: chr5-83554965-A-G. GRCh37 (hg19) VCF-style: chr5-82850784-A-G.
Other names: c.1439A>G, p.His480Arg (NM_001126336.3); c.6701A>G, p.His2234Arg (NM_001164097.2); c.4400A>G, p.His1467Arg (NM_001164098.2); short protein forms H1467R, H2234R, H3221R, H480R.
Identifiers: ClinVar variation 1463252 (VCV001463252.8), dbSNP rs145549943, ClinGen allele CA3334067.
Genomic context (GRCh38, chr5:83,554,965, plus strand): 5'-TCCATATATGGAAAAGTAGTACAAATATCTGTGTGGTTTCCTATCCCTTAGGTGTGGGCC[A>G]TGATTATCAGTGGATAGGCCTCAATGACAAGATGTTTGAGCATGACTTCCGTTGGACTGA-3'
Protein context (NP_004376.2, residues 3211-3231): EEQMFVNRVG[His3221Arg]DYQWIGLNDK